The following is an entry in ClinVar:

NM_001386298.1(CIC):c.7065C>T (p.Ala2355=)

Gene: CIC (capicua transcriptional repressor; plus strand). Cytogenetic location: 19q13.2.
Variant type: single nucleotide variant.
Coding change: c.7065C>T on transcript NM_001386298.1 (MANE Select); coding-DNA position 7065, C replaced by T.
Protein change: p.Ala2355=; no amino-acid change (alanine 2355 retained).
Molecular consequence: synonymous variant.
Genome position (GRCh38, 1-based): chr19:42,294,614, C>T. VCF-style: chr19-42294614-C-T. GRCh37 (hg19) VCF-style: chr19-42798766-C-T.
Other names: c.7062C>T, p.Ala2354= (NM_001379480.1, NM_001379482.1, NM_001439183.1); c.4332C>T, p.Ala1444= (NM_001379484.1, NM_001439191.1); c.4329C>T, p.Ala1443= (NM_001379485.1); c.7059C>T, p.Ala2353= (NM_001439184.1, NM_001439185.1, NM_001439186.1); c.7056C>T, p.Ala2352= (NM_001439187.1); c.7065C>T, p.Ala2355= (NM_001304815.2); c.7053C>T, p.Ala2351= (NM_001439188.1); c.4335C>T, p.Ala1445= (NM_001439189.1, NM_001439190.1); and 1 more.
Identifiers: ClinVar variation 4872954 (VCV004872954.3).

ClinVar aggregate classification (germline): Likely benign. Review status: criteria provided, multiple submitters, no conflicts (2 of 4 stars). 2 submissions from 2 submitters: Likely benign (2). Last evaluated 2026-04-01.

gnomAD v4.1: 363 of 1,613,508 alleles (0.022%); highest among the groups gnomAD compares: Admixed American, 0.005%; no homozygotes.

Submissions (2):

CeGaT Center for Human Genetics Tuebingen
Classification: Likely benign. Last evaluated: 2026-04-01. Review status: criteria provided, single submitter. Criteria: CeGaT Center For Human Genetics Tuebingen Variant Classification Criteria Version 2. Collection method: clinical testing. Allele origin: germline. Affected: yes. Observed: 1 variant allele.
Comment: CIC: BP4, BP7

Blueprint Genetics
Classification: Likely benign. Last evaluated: 2023-11-23. Review status: criteria provided, single submitter. Criteria: ACMG Guidelines, 2015. Collection method: clinical testing. Allele origin: germline.